The following is an entry in ClinVar:

NM_000890.5(KCNJ5):c.667G>A (p.Asp223Asn)

Gene: KCNJ5 (potassium inwardly rectifying channel subfamily J member 5; plus strand). Cytogenetic location: 11q24.3.
Variant type: single nucleotide variant.
Coding change: c.667G>A on transcript NM_000890.5 (MANE Select); coding-DNA position 667, G replaced by A.
Protein change: p.Asp223Asn; replaces aspartic acid 223 with asparagine.
Molecular consequence: missense variant.
Genome position (GRCh38, 1-based): chr11:128,911,940, G>A. VCF-style: chr11-128911940-G-A. GRCh37 (hg19) VCF-style: chr11-128781835-G-A.
Other names: c.667G>A (LRG_333t1); c.667G>A, p.Asp223Asn (NM_001354169.2); short protein forms D223N.
Identifiers: ClinVar variation 221021 (VCV000221021.8), dbSNP rs761349623, ClinGen allele CA350635.

ClinVar aggregate classification (germline): Uncertain significance (1 of 4 stars; one submission).

Conditions:
Long QT syndrome (LQTS). Identifiers: MedGen C0023976, MeSH D008133, MONDO:0002442. Disease mechanism: loss of function. Inheritance: Various modes of inheritance.

Allele frequency attached by ClinVar (database versions not stated): gnomAD exomes below 0.00001; ExAC 0.00001; TOPMed 0.00001.
gnomAD v4.1: 3 of 1,599,384 alleles (0.00019%); highest among the groups gnomAD compares: African/African-American, 0.0013%; no homozygotes.

Submission:

Labcorp Genetics (formerly Invitae), Labcorp
Classification: Uncertain significance for Long QT syndrome. Last evaluated: 2025-10-13. Review status: criteria provided, single submitter. Criteria: Invitae Variant Classification Sherloc (09022015). Collection method: clinical testing. Allele origin: germline.
Comment: This sequence change replaces aspartic acid, which is acidic and polar, with asparagine, which is neutral and polar, at codon 223 of the KCNJ5 protein (p.Asp223Asn). This variant is present in population databases (rs761349623, gnomAD 0.007%). This variant has not been reported in the literature in individuals affected with KCNJ5-related conditions. ClinVar contains an entry for this variant (Variation ID: 221021). Invitae Evidence Modeling of protein sequence and biophysical properties (such as structural, functional, and spatial information, amino acid conservation, physicochemical variation, residue mobility, and thermodynamic stability) indicates that this missense variant is not expected to disrupt KCNJ5 protein function with a negative predictive value of 80%. Experimental studies are conflicting or provide insufficient evidence to determine the effect of this variant on KCNJ5 function (PMID: 11278615, 34846128). In summary, the available evidence is currently insufficient to determine the role of this variant in disease. Therefore, it has been classified as a Variant of Uncertain Significance.

Literature cited by the submitters: PubMed 11278615; PubMed 34846128.